The following is an entry in ClinVar:

ClinVar aggregate classification (germline): Likely benign (1 of 4 stars; one submission).

Submission:

CeGaT Center for Human Genetics Tuebingen
Classification: Likely benign. Last evaluated: 2023-10-01. Review status: criteria provided, single submitter. Criteria: CeGaT Center For Human Genetics Tuebingen Variant Classification Criteria Version 2. Collection method: clinical testing. Allele origin: germline. Affected: yes. Observed: 1 variant allele.
Comment: PBXIP1: PM2:Supporting, BP4, BP7

NM_020524.4(PBXIP1):c.285C>G (p.Gly95=)

Gene: PBXIP1 (PBX homeobox interacting protein 1; minus strand). Cytogenetic location: 1q21.3.
Variant type: single nucleotide variant.
Coding change: c.285C>G on transcript NM_020524.4 (MANE Select); coding-DNA position 285, C replaced by G.
Protein change: p.Gly95=; no amino-acid change (glycine 95 retained).
Molecular consequence: synonymous variant. On other transcripts: intron variant (1).
Genome position (GRCh38, 1-based): chr1:154,951,356, G>C on the plus strand (C>G on the coding strand, the complement: PBXIP1 is on the minus strand). VCF-style: chr1-154951356-G-C. GRCh37 (hg19) VCF-style: chr1-154923832-G-C.
Other names: c.198C>G, p.Gly66= (NM_001317734.2); c.-81-100C>G (NM_001317735.2).
Identifiers: ClinVar variation 2639385 (VCV002639385.24), dbSNP rs2525204804, ClinGen allele CA421234856.